The following is an entry in ClinVar:

ClinVar aggregate classification (germline): Uncertain significance (1 of 4 stars; one submission).

Submission:

GeneDx
Classification: Uncertain significance. Last evaluated: 2024-09-21. Review status: criteria provided, single submitter. Criteria: GeneDx Variant Classification Process June 2021. Collection method: clinical testing. Allele origin: germline. Affected: yes.
Comment: Not observed at significant frequency in large population cohorts (gnomAD); In silico analysis supports a deleterious effect on splicing; Has not been previously published as pathogenic or benign to our knowledge

NM_022841.7(RFX7):c.603+4A>G

Gene: RFX7 (regulatory factor X7; minus strand). Cytogenetic location: 15q21.3.
Variant type: single nucleotide variant.
Coding change: c.603+4A>G on transcript NM_022841.7 (MANE Select); 4 bases into the intron after coding-DNA position 603, A replaced by G.
Molecular consequence: intron variant.
Genome position (GRCh38, 1-based): chr15:56,102,165, T>C on the plus strand (A>G on the coding strand, the complement: RFX7 is on the minus strand). VCF-style: chr15-56102165-T-C. GRCh37 (hg19) VCF-style: chr15-56394363-T-C.
Other names: c.603+4A>G (NM_001370561.1); c.312+4A>G (NM_001368073.2, NM_001370554.1, NM_001368074.1).
Identifiers: ClinVar variation 3774066 (VCV003774066.1).
Genomic context (GRCh38, chr15:56,102,165, plus strand): 5'-TGCATTTCAATGTTAATATAAAGGTACAATTTTACTTATTAAAAAGAAAAGGCTGAATTC[T>C]TACCCCATCTCCAGTTTTGTGAAAGTCAAGGTTGGGCAGTGTTGGCATATGAACAAAAGC-3'